The following is an entry in ClinVar:

ClinVar aggregate classification (germline): Benign (0 of 4 stars; one submission).

Conditions:
EMILIN1-related disorder. Also called: EMILIN1-related condition.

Allele frequency attached by ClinVar (database versions not stated): gnomAD exomes 0.00121; ExAC 0.00520; ESP Exome Variant Server 0.01313; gnomAD 0.01352; 1000 Genomes Project 0.01438; TOPMed 0.01476; 1000 Genomes Project 30x 0.01593.
gnomAD v4.1: 3,836 of 1,542,426 alleles (0.25%); highest among the groups gnomAD compares: African/African-American, 4.7%; 72 homozygotes.

Submission:

PreventionGenetics, part of Exact Sciences
Classification: Benign for EMILIN1-related condition. Last evaluated: 2019-12-05. Review status: no assertion criteria provided. Collection method: clinical testing. Allele origin: germline.
Comment: This variant is classified as benign based on ACMG/AMP sequence variant interpretation guidelines (Richards et al. 2015 PMID: 25741868, with internal and published modifications).

NM_007046.4(EMILIN1):c.1005G>A (p.Glu335=)

Gene: EMILIN1 (elastin microfibril interfacer 1; plus strand). Cytogenetic location: 2p23.3.
Variant type: single nucleotide variant.
Coding change: c.1005G>A on transcript NM_007046.4 (MANE Select); coding-DNA position 1005, G replaced by A.
Protein change: p.Glu335=; no amino-acid change (glutamic acid 335 retained).
Molecular consequence: synonymous variant.
Genome position (GRCh38, 1-based): chr2:27,082,576, G>A. VCF-style: chr2-27082576-G-A. GRCh37 (hg19) VCF-style: chr2-27305444-G-A.
Identifiers: ClinVar variation 3034238 (VCV003034238.2), dbSNP rs11693182, ClinGen allele CA1568624.